The following is an entry in ClinVar:

NM_001378454.1(ALMS1):c.7129dup (p.Thr2377fs)

Gene: ALMS1 (ALMS1 centrosome and basal body associated protein; plus strand). Cytogenetic location: 2p13.1.
Variant type: Duplication.
Coding change: c.7129dup on transcript NM_001378454.1 (MANE Select); coding-DNA position 7129, one base duplicated (A; older notation c.7129dupA).
Protein change: p.Thr2377fs; shifts the reading frame from threonine 2377.
Molecular consequence: frameshift variant.
Genome position (GRCh38, 1-based): chr2:73,453,656, A duplicated; the last of 3 consecutive A bases (chr2:73,453,654-73,453,656); duplicating any one gives the same sequence. VCF-style (leftmost placement, unchanged base first): chr2-73453653-G-GA. GRCh37 (hg19) VCF-style: chr2-73680780-G-GA.
Other names: c.7132dupA (NM_015120.4); c.7132dup, p.Thr2378fs (NM_015120.4); short protein forms T2377fs, T2378fs.
Identifiers: ClinVar variation 1806690 (VCV001806690.7), dbSNP rs1179374287, ClinGen allele CA892818721.

ClinVar aggregate classification (germline): Pathogenic/Likely pathogenic. Review status: criteria provided, multiple submitters, no conflicts (2 of 4 stars). 5 submissions from 5 submitters: Pathogenic (4); Likely pathogenic (1). Last evaluated 2025-03-19.

Conditions:
Alstrom syndrome (ALMS). Identifiers: Orphanet 64, MedGen C0268425, MONDO:0008763, OMIM 203800.
Cardiovascular phenotype. Identifiers: MedGen CN230736.
ALMS1-related disorder. Also called: ALMS1-related condition.

Submissions (5):

Ambry Genetics
Classification: Pathogenic for Cardiovascular phenotype. Last evaluated: 2025-03-19. Review status: criteria provided, single submitter. Criteria: Ambry Variant Classification Scheme 2023. Collection method: clinical testing. Allele origin: germline.
Comment: The c.7132dupA pathogenic mutation, located in coding exon 8 of the ALMS1 gene, results from a duplication of A at nucleotide position 7132, causing a translational frameshift with a predicted alternate stop codon (p.T2378Nfs*3). This mutation has been reported in association with Alstrom syndrome (Hearn T et al. Nat Genet, 2002 May;31:79-83; Paisey RB et al. J Clin Endocrinol Metab, 2015 Aug;100:E1116-24; Marshall JD et al. Hum Mutat, 2015 Jul;36:660-8). This variant is considered to be rare based on population cohorts in the Genome Aggregation Database (gnomAD). In addition to the clinical data presented in the literature, this alteration is expected to result in loss of function by premature protein truncation or nonsense-mediated mRNA decay. As such, this alteration is interpreted as a disease-causing mutation.

Labcorp Genetics (formerly Invitae), Labcorp
Classification: Pathogenic for Alstrom syndrome. Last evaluated: 2024-10-07. Review status: criteria provided, single submitter. Criteria: Invitae Variant Classification Sherloc (09022015). Collection method: clinical testing. Allele origin: germline.
Comment: This sequence change creates a premature translational stop signal (p.Thr2378Asnfs*3) in the ALMS1 gene. It is expected to result in an absent or disrupted protein product. Loss-of-function variants in ALMS1 are known to be pathogenic (PMID: 17594715). This variant is not present in population databases (gnomAD no frequency). This premature translational stop signal has been observed in individual(s) with Alström syndrome (PMID: 11941370). ClinVar contains an entry for this variant (Variation ID: 1806690). For these reasons, this variant has been classified as Pathogenic.

Women's Health and Genetics/Laboratory Corporation of America, LabCorp
Classification: Pathogenic for Alstrom syndrome. Last evaluated: 2024-02-05. Review status: criteria provided, single submitter. Criteria: LabCorp Variant Classification Summary - May 2015. Collection method: clinical testing. Allele origin: germline.
Comment: Variant summary: ALMS1 c.7126dupA (p.Thr2376AsnfsX3) results in a premature termination codon, predicted to cause a truncation of the encoded protein or absence of the protein due to nonsense mediated decay, which are commonly known mechanisms for disease. The variant was absent in 249124 control chromosomes. c.7126dupA has been reported in the literature in individuals affected with Alstrom Syndrome (Hearn_2002). These data indicate that the variant may be associated with disease. To our knowledge, no experimental evidence demonstrating an impact on protein function has been reported. The following publication have been ascertained in the context of this evaluation (PMID: 11941370). ClinVar contains an entry for this variant (Variation ID: 1806690). Based on the evidence outlined above, the variant was classified as pathogenic.

GeneDx
Classification: Pathogenic. Last evaluated: 2022-12-23. Review status: criteria provided, single submitter. Criteria: GeneDx Variant Classification Process June 2021. Collection method: clinical testing. Allele origin: germline. Affected: yes.
Comment: Frameshift variant predicted to result in protein truncation or nonsense mediated decay in a gene for which loss-of-function is a known mechanism of disease; Not observed in large population cohorts (gnomAD); This variant is associated with the following publications: (PMID: 11941370)

Blueprint Genetics
Classification: Likely pathogenic for ALMS1-related disorders. Last evaluated: 2021-11-07. Review status: criteria provided, single submitter. Criteria: ACMG Guidelines, 2015. Collection method: clinical testing. Allele origin: germline. Affected: yes. Observed: 1 variant allele.

Literature cited by the submitters: PubMed 11941370 (cited by 3 submitters); PubMed 25846608 (cited by Ambry Genetics); PubMed 26066530 (cited by Ambry Genetics); PubMed 17594715 (cited by Labcorp Genetics (formerly Invitae), Labcorp).